The following is an entry in ClinVar:

NM_032271.3(TRAF7):c.264C>T (p.Ser88=)

Gene: TRAF7 (TNF receptor associated factor 7; plus strand). Cytogenetic location: 16p13.3.
Variant type: single nucleotide variant.
Coding change: c.264C>T on transcript NM_032271.3 (MANE Select); coding-DNA position 264, C replaced by T.
Protein change: p.Ser88=; no amino-acid change (serine 88 retained).
Molecular consequence: synonymous variant.
Genome position (GRCh38, 1-based): chr16:2,170,646, C>T. VCF-style: chr16-2170646-C-T. GRCh37 (hg19) VCF-style: chr16-2220647-C-T.
Identifiers: ClinVar variation 2646040 (VCV002646040.24), dbSNP rs200035101, ClinGen allele CA7834509.

ClinVar aggregate classification (germline): Likely benign (1 of 4 stars; one submission).

Allele frequency attached by ClinVar (database versions not stated): ESP Exome Variant Server 0.00008; gnomAD 0.00043; gnomAD exomes 0.00051; TOPMed 0.00054; 1000 Genomes Project 30x 0.00078; ExAC 0.00078; 1000 Genomes Project 0.00100.
gnomAD v4.1: 791 of 1,610,432 alleles (0.049%); highest among the groups gnomAD compares: East Asian, 1.4%; 12 homozygotes.

Submission:

CeGaT Center for Human Genetics Tuebingen
Classification: Likely benign. Last evaluated: 2025-08-01. Review status: criteria provided, single submitter. Criteria: CeGaT Center For Human Genetics Tuebingen Variant Classification Criteria Version 2. Collection method: clinical testing. Allele origin: germline. Affected: yes. Observed: 2 variant alleles.
Comment: TRAF7: BP4, BP7, BS1